The following is an entry in ClinVar:

ClinVar aggregate classification (germline): Uncertain significance (1 of 4 stars; one submission).

Conditions:
Developmental delay with or without dysmorphic facies and autism. Identifiers: MedGen C5193106, MONDO:0032760, OMIM 618454.

Submission:

Clinical Genomics Laboratory, Washington University in St. Louis
Classification: Uncertain significance for Developmental delay with or without dysmorphic facies and autism. Last evaluated: 2025-10-30. Review status: criteria provided, single submitter. Criteria: ACMG Guidelines, 2015. Collection method: clinical testing. Allele origin: germline.
Comment: The TRRAP c.2440C>T (p.Pro814Ser) variant, to our knowledge, has not been reported in the medical literature. This variant is absent from the general population (gnomAD v2.1.1), indicating it is not a common variant. The TRRAP gene is a gene that has a low rate of benign missense variation and where pathogenic missense variants are a common mechanism of disease. Computational predictors indicate that the variant is damaging, evidence that correlates with impact to TRRAP function. Due to limited information, and based on ACMG/AMP guidelines for variant interpretation (Richards S et al., PMID: 25741868), the clinical significance of this variant is uncertain at this time.

NM_001375524.1(TRRAP):c.2440C>T (p.Pro814Ser)

Gene: TRRAP (transformation/transcription domain associated protein; plus strand). Cytogenetic location: 7q22.1.
Variant type: single nucleotide variant.
Coding change: c.2440C>T on transcript NM_001375524.1 (MANE Select); coding-DNA position 2440, C replaced by T.
Protein change: p.Pro814Ser; replaces proline 814 with serine.
Molecular consequence: missense variant.
Genome position (GRCh38, 1-based): chr7:98,917,497, C>T. VCF-style: chr7-98917497-C-T. GRCh37 (hg19) VCF-style: chr7-98515120-C-T.
Other names: c.2440C>T, p.Pro814Ser (NM_001244580.2, NM_003496.4); short protein forms P814S.
Identifiers: ClinVar variation 4879307 (VCV004879307.1).